The following is an entry in ClinVar:

ClinVar aggregate classification (germline): Likely pathogenic. Review status: criteria provided, multiple submitters, no conflicts (2 of 4 stars). 2 submissions from 2 submitters: Likely pathogenic (2). Last evaluated 2025-07-07.

Conditions:
Leukoencephalopathy-thalamus and brainstem anomalies-high lactate syndrome. Also called: LEUKOENCEPHALOPATHY WITH THALAMUS AND BRAINSTEM INVOLVEMENT AND HIGH LACTATE; Combined oxidative phosphorylation deficiency 12. Identifiers: Orphanet 314051, MedGen C4706421, MONDO:0013971, OMIM 614924.

gnomAD v4.1: 17 of 1,614,012 alleles (0.0011%); highest among the groups gnomAD compares: Middle Eastern, 0.016%; no homozygotes.

Submissions (2):

Dasa
Classification: Likely pathogenic for Leukoencephalopathy-thalamus and brainstem anomalies-high lactate syndrome. Last evaluated: 2025-07-07. Review status: criteria provided, single submitter. Criteria: DASA Assertion Criteria. Collection method: clinical testing. Allele origin: germline.
Comment: NM_001083614.2(EARS2):c.1294C>T (p.Arg432*) is a nonsense variant in EARS2 predicted to introduce a premature termination codon and is predicted to result in an absent or altered protein product. Loss of function is an established disease mechanism for EARS2-associated disorders. Also, this variant is rare in population databases. Based on the currently available evidence, this variant is classified as likely pathogenic.

Juno Genomics, Hangzhou Juno Genomics, Inc
Classification: Likely pathogenic for Leukoencephalopathy-thalamus and brainstem anomalies-high lactate syndrome. Review status: criteria provided, single submitter. Criteria: ACMG Guidelines, 2015. Collection method: clinical testing. Allele origin: germline.
Comment: Null variant in a gene where loss of function (LOF) is a known mechanism of disease.;Absent from controls (or at extremely low frequency if recessive) in Genome Aggregation Database.

NM_001083614.2(EARS2):c.1294C>T (p.Arg432Ter)

Gene: EARS2 (glutamyl-tRNA synthetase 2, mitochondrial; minus strand). Cytogenetic location: 16p12.2.
Variant type: single nucleotide variant.
Coding change: c.1294C>T on transcript NM_001083614.2 (MANE Select); coding-DNA position 1294, C replaced by T.
Protein change: p.Arg432Ter; replaces arginine 432 with a stop codon.
Molecular consequence: nonsense. On other transcripts: non-coding transcript variant (1).
Genome position (GRCh38, 1-based): chr16:23,529,560, G>A on the plus strand (C>T on the coding strand, the complement: EARS2 is on the minus strand). VCF-style: chr16-23529560-G-A. GRCh37 (hg19) VCF-style: chr16-23540881-G-A.
Other names: c.1294C>T, p.Arg432Ter (NM_001308211.1); short protein forms R432*.
Identifiers: ClinVar variation 4884094 (VCV004884094.4), dbSNP rs1299779895.